The following is an entry in ClinVar:

NM_016360.4(TACO1):c.679A>G (p.Arg227Gly)

Gene: TACO1 (translational activator of cytochrome c oxidase I; plus strand). Cytogenetic location: 17q23.3.
Variant type: single nucleotide variant.
Coding change: c.679A>G on transcript NM_016360.4 (MANE Select); coding-DNA position 679, A replaced by G.
Protein change: p.Arg227Gly; replaces arginine 227 with glycine.
Molecular consequence: missense variant.
Genome position (GRCh38, 1-based): chr17:63,607,450, A>G. VCF-style: chr17-63607450-A-G. GRCh37 (hg19) VCF-style: chr17-61684810-A-G.
Other names: p.Arg227Gly; short protein forms R227G.
Identifiers: ClinVar variation 4542210 (VCV004542210.1).

ClinVar aggregate classification (germline): Uncertain significance (1 of 4 stars; one submission).

Submission:

Mayo Clinic Laboratories, Mayo Clinic
Classification: Uncertain significance. Last evaluated: 2025-03-31. Review status: criteria provided, single submitter. Criteria: ACMG Guidelines, 2015. Collection method: clinical testing. Allele origin: germline. Observed: 1 variant allele.
Comment: BP4_moderate, PM2_supporting